The following is an entry in ClinVar:

ClinVar aggregate classification (germline): Uncertain significance (1 of 4 stars; one submission).

Conditions:
Early-infantile DEE. Also called: Ohtahara syndrome; Early infantile epileptic encephalopathy with suppression bursts; Early infantile epileptic encephalopathy. Identifiers: Orphanet 1934, MedGen C0393706, MONDO:0800491.

Submission:

Labcorp Genetics (formerly Invitae), Labcorp
Classification: Uncertain significance for Early-infantile DEE. Last evaluated: 2025-08-21. Review status: criteria provided, single submitter. Criteria: Invitae Variant Classification Sherloc (09022015). Collection method: clinical testing. Allele origin: germline.
Comment: This sequence change replaces serine, which is neutral and polar, with proline, which is neutral and non-polar, at codon 445 of the KCNQ2 protein (p.Ser445Pro). This variant is not present in population databases (gnomAD no frequency). This variant has not been reported in the literature in individuals affected with KCNQ2-related conditions. ClinVar contains an entry for this variant (Variation ID: 1009330). Invitae Evidence Modeling of protein sequence and biophysical properties (such as structural, functional, and spatial information, amino acid conservation, physicochemical variation, residue mobility, and thermodynamic stability) has been performed for this missense variant. However, the output from this modeling did not meet the statistical confidence thresholds required to predict the impact of this variant on KCNQ2 protein function. In summary, the available evidence is currently insufficient to determine the role of this variant in disease. Therefore, it has been classified as a Variant of Uncertain Significance.

NM_172107.4(KCNQ2):c.1333T>C (p.Ser445Pro)

Gene: KCNQ2 (potassium voltage-gated channel subfamily Q member 2; minus strand). Cytogenetic location: 20q13.33.
Variant type: single nucleotide variant.
Coding change: c.1333T>C on transcript NM_172107.4 (MANE Select); coding-DNA position 1333, T replaced by C.
Protein change: p.Ser445Pro; replaces serine 445 with proline.
Molecular consequence: missense variant. On other transcripts: intron variant (1).
Genome position (GRCh38, 1-based): chr20:63,415,095, A>G on the plus strand (T>C on the coding strand, the complement: KCNQ2 is on the minus strand). VCF-style: chr20-63415095-A-G. GRCh37 (hg19) VCF-style: chr20-62046448-A-G.
Other names: c.1279T>C, p.Ser427Pro (NM_001382235.1, NM_172106.3); c.1249T>C, p.Ser417Pro (NM_004518.6); c.1248-5T>C (NM_172108.5); short protein forms S417P, S427P, S445P.
Identifiers: ClinVar variation 1009330 (VCV001009330.9), dbSNP rs2080246296, ClinGen allele CA409646800.
Genomic context (GRCh38, chr20:63,415,095, plus strand): 5'-GCCTCACAGTCTGGGCCTGCGGGGACCCCTTCCCCTTGGCAGCCACGCCTCGGGGGCTGG[A>G]GAAGACACGATCTTTCAAACTGACCTTCTGGCTGCTCCCACGGGAACCGACAGACAGACA-3'
Protein context (NP_742105.1, residues 435-455): QKVSLKDRVF[Ser445Pro]SPRGVAAKGK